The following is an entry in ClinVar:

ClinVar aggregate classification (germline): Conflicting classifications of pathogenicity. Review status: criteria provided, conflicting classifications (1 of 4 stars). 3 submissions from 3 submitters: Uncertain significance (2); Likely benign (1). Last evaluated 2025-10-29.

Conditions:
Angioedema, hereditary, 4. Identifiers: MedGen C5543503, MONDO:0025712, OMIM 619360.
Plasminogen deficiency, type I. Also called: Type 1 plasminogen deficiency; Hypoplasminogenemia. Identifiers: Orphanet 722, MedGen C1968804, MONDO:0009009, OMIM 217090.
PLG-related disorder. Also called: PLG-related condition.

Allele frequency attached by ClinVar (database versions not stated): ExAC 0.00002; gnomAD exomes 0.00004 and 0.00013; gnomAD 0.00007; ESP Exome Variant Server 0.00008; TOPMed 0.00008.
gnomAD v4.1: 184 of 1,545,432 alleles (0.012%); highest among the groups gnomAD compares: Non-Finnish European, 0.015%; no homozygotes.

Submissions (3):

Labcorp Genetics (formerly Invitae), Labcorp
Classification: Uncertain significance. Last evaluated: 2025-10-29. Review status: criteria provided, single submitter. Criteria: Invitae Variant Classification Sherloc (09022015). Collection method: clinical testing. Allele origin: germline.
Comment: This sequence change falls in intron 6 of the PLG gene. It does not directly change the encoded amino acid sequence of the PLG protein. It affects a nucleotide within the consensus splice site. This variant is present in population databases (rs368764348, gnomAD 0.007%). This variant has not been reported in the literature in individuals affected with PLG-related conditions. ClinVar contains an entry for this variant (Variation ID: 1436722). Variants that disrupt the consensus splice site are a relatively common cause of aberrant splicing (PMID: 17576681, 9536098). Algorithms developed to predict the effect of sequence changes on RNA splicing suggest that this variant may disrupt the consensus splice site. In summary, the available evidence is currently insufficient to determine the role of this variant in disease. Therefore, it has been classified as a Variant of Uncertain Significance.

PreventionGenetics, part of Exact Sciences
Classification: Likely benign for PLG-related condition. Last evaluated: 2025-03-10. Review status: criteria provided, single submitter. Criteria: ACMG Guidelines, 2015. Collection method: clinical testing. Allele origin: germline.
Comment: This variant is classified as likely benign based on ACMG/AMP sequence variant interpretation guidelines (Richards et al. 2015 PMID: 25741868, with internal and published modifications).

Fulgent Genetics
Classification: Uncertain significance for Plasminogen deficiency, type I; Angioedema, hereditary, 4. Last evaluated: 2024-04-12. Review status: criteria provided, single submitter. Criteria: ACMG Guidelines, 2015. Collection method: clinical testing. Allele origin: germline.

Literature cited by the submitters: PubMed 17576681 (cited by Labcorp Genetics (formerly Invitae), Labcorp); PubMed 9536098 (cited by Labcorp Genetics (formerly Invitae), Labcorp).

NM_000301.5(PLG):c.669-3C>G

Gene: PLG (plasminogen; plus strand). Cytogenetic location: 6q26.
Variant type: single nucleotide variant.
Coding change: c.669-3C>G on transcript NM_000301.5 (MANE Select); 3 bases into the intron before coding-DNA position 669, C replaced by G.
Molecular consequence: intron variant.
Genome position (GRCh38, 1-based): chr6:160,716,642, C>G. VCF-style: chr6-160716642-C-G. GRCh37 (hg19) VCF-style: chr6-161137674-C-G.
Identifiers: ClinVar variation 1436722 (VCV001436722.9), dbSNP rs368764348, ClinGen allele CA4087540.